The following is an entry in ClinVar:

NM_000642.3(AGL):c.4481+5G>A

Gene: AGL (amylo-alpha-1,6-glucosidase and 4-alpha-glucanotransferase; plus strand). Cytogenetic location: 1p21.2.
Variant type: single nucleotide variant.
Coding change: c.4481+5G>A on transcript NM_000642.3 (MANE Select); 5 bases into the intron after coding-DNA position 4481, G replaced by A.
Molecular consequence: intron variant.
Genome position (GRCh38, 1-based): chr1:99,916,736, G>A. VCF-style: chr1-99916736-G-A. GRCh37 (hg19) VCF-style: chr1-100382292-G-A.
Other names: c.4481+5G>A (NM_000643.3, NM_000644.3, NM_001425325.1 and 1 more transcripts); c.4433+5G>A (NM_000646.3); c.4460+5G>A (NM_001425326.1); c.4280+5G>A (NM_001425327.1); c.4277+5G>A (NM_001425328.1); c.4142+5G>A (NM_001425329.1); c.4103+5G>A (NM_001425332.1).
Identifiers: ClinVar variation 2120100 (VCV002120100.4), dbSNP rs2523867505, ClinGen allele CA2580063471.

ClinVar aggregate classification (germline): Uncertain significance (1 of 4 stars; one submission).

Conditions:
Glycogen storage disease type III (GSD3). Also called: FORBES DISEASE; Cori disease. Identifiers: Orphanet 366, MedGen C0017922, MONDO:0009291, OMIM 232400.

Submission:

Labcorp Genetics (formerly Invitae), Labcorp
Classification: Uncertain significance for Glycogen storage disease type III. Last evaluated: 2022-04-01. Review status: criteria provided, single submitter. Criteria: Invitae Variant Classification Sherloc (09022015). Collection method: clinical testing. Allele origin: germline.
Comment: This sequence change falls in intron 33 of the AGL gene. It does not directly change the encoded amino acid sequence of the AGL protein. It affects a nucleotide within the consensus splice site. In summary, the available evidence is currently insufficient to determine the role of this variant in disease. Therefore, it has been classified as a Variant of Uncertain Significance. Variants that disrupt the consensus splice site are a relatively common cause of aberrant splicing (PMID: 17576681, 9536098). Algorithms developed to predict the effect of sequence changes on RNA splicing suggest that this variant may disrupt the consensus splice site. This variant has not been reported in the literature in individuals affected with AGL-related conditions. This variant is not present in population databases (gnomAD no frequency).

Literature cited by the submitters: PubMed 17576681; PubMed 9536098.